The following is an entry in ClinVar:

NM_019032.6(ADAMTSL4):c.667A>T (p.Thr223Ser)

Genes: ADAMTSL4 (ADAMTS like 4; plus strand), ADAMTSL4-AS2 (ADAMTSL4 antisense RNA 2; minus strand). Cytogenetic location: 1q21.2.
Variant type: single nucleotide variant.
Coding change: c.667A>T on transcript NM_019032.6 (MANE Select); coding-DNA position 667, A replaced by T.
Protein change: p.Thr223Ser; replaces threonine 223 with serine.
Molecular consequence: missense variant.
Genome position (GRCh38, 1-based): chr1:150,553,658, A>T. VCF-style: chr1-150553658-A-T. GRCh37 (hg19) VCF-style: chr1-150526134-A-T.
Other names: c.667A>T, p.Thr223Ser (NM_001288607.2, NM_001288608.2, NM_001378596.1 and 1 more transcripts); short protein forms T223S.
Identifiers: ClinVar variation 1366921 (VCV001366921.4), dbSNP rs147803174, ClinGen allele CA1078012.

ClinVar aggregate classification (germline): Conflicting classifications of pathogenicity. Review status: criteria provided, conflicting classifications (1 of 4 stars). 2 submissions from 2 submitters: Uncertain significance (1); Likely benign (1). Last evaluated 2024-09-09.

Allele frequency attached by ClinVar (database versions not stated): ExAC 0.00024; gnomAD exomes 0.00024 and 0.00036; gnomAD 0.00034; TOPMed 0.00035; ESP Exome Variant Server 0.00038.
gnomAD v4.1: 573 of 1,612,530 alleles (0.036%); highest among the groups gnomAD compares: Non-Finnish European, 0.044%; no homozygotes.

Submissions (2):

Blueprint Genetics
Classification: Likely benign. Last evaluated: 2024-09-09. Review status: criteria provided, single submitter. Criteria: ACMG Guidelines, 2015. Collection method: clinical testing. Allele origin: germline.

Labcorp Genetics (formerly Invitae), Labcorp
Classification: Uncertain significance. Last evaluated: 2022-11-01. Review status: criteria provided, single submitter. Criteria: Invitae Variant Classification Sherloc (09022015). Collection method: clinical testing. Allele origin: germline.
Comment: This sequence change replaces threonine, which is neutral and polar, with serine, which is neutral and polar, at codon 223 of the ADAMTSL4 protein (p.Thr223Ser). This variant is present in population databases (rs147803174, gnomAD 0.04%). This variant has not been reported in the literature in individuals affected with ADAMTSL4-related conditions. ClinVar contains an entry for this variant (Variation ID: 1366921). Advanced modeling of protein sequence and biophysical properties (such as structural, functional, and spatial information, amino acid conservation, physicochemical variation, residue mobility, and thermodynamic stability) performed at Invitae indicates that this missense variant is not expected to disrupt ADAMTSL4 protein function. In summary, the available evidence is currently insufficient to determine the role of this variant in disease. Therefore, it has been classified as a Variant of Uncertain Significance.